The following is an entry in ClinVar:

NM_001374828.1(ARID1B):c.4901A>G (p.Gln1634Arg)

Gene: ARID1B (AT-rich interaction domain 1B; plus strand). Cytogenetic location: 6q25.3.
Variant type: single nucleotide variant.
Coding change: c.4901A>G on transcript NM_001374828.1 (MANE Select); coding-DNA position 4901, A replaced by G.
Protein change: p.Gln1634Arg; replaces glutamine 1634 with arginine.
Molecular consequence: missense variant.
Genome position (GRCh38, 1-based): chr6:157,201,126, A>G. VCF-style: chr6-157201126-A-G. GRCh37 (hg19) VCF-style: chr6-157522260-A-G.
Other names: c.2402A>G, p.Gln801Arg (NM_001363725.2); c.4781A>G, p.Gln1594Arg (NM_001371656.1, NM_001374820.1); c.4742A>G, p.Gln1581Arg (NM_017519.3); short protein forms Q1581R, Q801R, Q1594R, Q1634R.
Identifiers: ClinVar variation 1506650 (VCV001506650.7), dbSNP rs1794078806, ClinGen allele CA366242059.

ClinVar aggregate classification (germline): Uncertain significance. Review status: criteria provided, multiple submitters, no conflicts (2 of 4 stars). 2 submissions from 2 submitters: Uncertain significance (2). Last evaluated 2026-03-16.

Submissions (2):

GeneDx
Classification: Uncertain significance. Last evaluated: 2026-03-16. Review status: criteria provided, single submitter. Criteria: GeneDx Variant Classification Process June 2021. Collection method: clinical testing. Allele origin: germline.
Comment: Not observed at significant frequency in large population cohorts (gnomAD); In silico analysis suggests that this missense variant does not alter protein structure/function; Has not been previously published as pathogenic or benign to our knowledge

Labcorp Genetics (formerly Invitae), Labcorp
Classification: Uncertain significance. Last evaluated: 2024-02-24. Review status: criteria provided, single submitter. Criteria: Invitae Variant Classification Sherloc (09022015). Collection method: clinical testing. Allele origin: germline.
Comment: This sequence change replaces glutamine, which is neutral and polar, with arginine, which is basic and polar, at codon 1511 of the ARID1B protein (p.Gln1511Arg). This variant is not present in population databases (gnomAD no frequency). This variant has not been reported in the literature in individuals affected with ARID1B-related conditions. ClinVar contains an entry for this variant (Variation ID: 1506650). Advanced modeling of protein sequence and biophysical properties (such as structural, functional, and spatial information, amino acid conservation, physicochemical variation, residue mobility, and thermodynamic stability) has been performed at Invitae for this missense variant, however the output from this modeling did not meet the statistical confidence thresholds required to predict the impact of this variant on ARID1B protein function. In summary, the available evidence is currently insufficient to determine the role of this variant in disease. Therefore, it has been classified as a Variant of Uncertain Significance.